The following is an entry in ClinVar:

ClinVar aggregate classification (germline): Uncertain significance (1 of 4 stars; one submission).

Conditions:
Smith-Magenis syndrome (SMS). Also called: CHROMOSOME 17p11.2 DELETION SYNDROME. Identifiers: Orphanet 819, MedGen C0795864, MONDO:0008434, OMIM 182290.

gnomAD v4.1: 1 of 1,613,334 alleles (0.000062%); no homozygotes.

Submission:

Baylor Genetics
Classification: Uncertain significance for Smith-Magenis syndrome. Last evaluated: 2020-07-24. Review status: criteria provided, single submitter. Criteria: ACMG Guidelines, 2015. Collection method: clinical testing. Allele origin: unknown. Affected: yes.
Comment: This variant was determined to be of uncertain significance according to ACMG Guidelines, 2015 [PMID:25741868].

NM_030665.4(RAI1):c.424G>T (p.Asp142Tyr)

Gene: RAI1 (retinoic acid induced 1; plus strand). Cytogenetic location: 17p11.2.
Variant type: single nucleotide variant.
Coding change: c.424G>T on transcript NM_030665.4 (MANE Select); coding-DNA position 424, G replaced by T.
Protein change: p.Asp142Tyr; replaces aspartic acid 142 with tyrosine.
Molecular consequence: missense variant.
Genome position (GRCh38, 1-based): chr17:17,793,372, G>T. VCF-style: chr17-17793372-G-T. GRCh37 (hg19) VCF-style: chr17-17696686-G-T.
Other names: short protein forms D142Y.
Identifiers: ClinVar variation 1028898 (VCV001028898.1), dbSNP rs2032095988, ClinGen allele CA398545426.